The following is an entry in ClinVar:

ClinVar aggregate classification (germline): Uncertain significance (1 of 4 stars; one submission).

Submission:

Labcorp Genetics (formerly Invitae), Labcorp
Classification: Uncertain significance. Last evaluated: 2024-02-05. Review status: criteria provided, single submitter. Criteria: Invitae Variant Classification Sherloc (09022015). Collection method: clinical testing. Allele origin: germline.
Comment: This sequence change creates a premature translational stop signal (p.Asn656Glnfs*10) in the FAM161A gene. While this is not anticipated to result in nonsense mediated decay, it is expected to disrupt the last 61 amino acid(s) of the FAM161A protein. This variant is not present in population databases (gnomAD no frequency). This variant has not been reported in the literature in individuals affected with FAM161A-related conditions. ClinVar contains an entry for this variant (Variation ID: 1915231). Experimental studies and prediction algorithms are not available or were not evaluated, and the functional significance of this variant is currently unknown. In summary, the available evidence is currently insufficient to determine the role of this variant in disease. Therefore, it has been classified as a Variant of Uncertain Significance.

NM_001201543.2(FAM161A):c.1965dup (p.Asn656fs)

Gene: FAM161A (FAM161 centrosomal protein A; minus strand). Cytogenetic location: 2p15.
Variant type: Duplication.
Coding change: c.1965dup on transcript NM_001201543.2 (MANE Select); coding-DNA position 1965, one base duplicated (C; older notation c.1965dupC).
Protein change: p.Asn656fs; shifts the reading frame from asparagine 656.
Molecular consequence: frameshift variant. On other transcripts: non-coding transcript variant (1).
Genome position (GRCh38, 1-based): chr2:61,827,145, G duplicated on the plus strand (C on the coding strand, the reverse complement: FAM161A is on the minus strand). VCF-style (leftmost placement, unchanged base first): chr2-61827144-T-TG. GRCh37 (hg19) VCF-style: chr2-62054279-T-TG.
Other names: c.1797dup, p.Asn600fs (NM_032180.3); short protein forms N656fs, N600fs.
Identifiers: ClinVar variation 1915231 (VCV001915231.4), dbSNP rs2465984495, ClinGen allele CA2580067606.